The following is an entry in ClinVar:

ClinVar aggregate classification (germline): Uncertain significance (1 of 4 stars; one submission).

gnomAD v4.1: 2 of 1,614,156 alleles (0.00012%); highest among the groups gnomAD compares: Non-Finnish European, 0.000085%; no homozygotes.

Submission:

Labcorp Genetics (formerly Invitae), Labcorp
Classification: Uncertain significance. Last evaluated: 2023-05-08. Review status: criteria provided, single submitter. Criteria: Invitae Variant Classification Sherloc (09022015). Collection method: clinical testing. Allele origin: germline.
Comment: Advanced modeling of protein sequence and biophysical properties (such as structural, functional, and spatial information, amino acid conservation, physicochemical variation, residue mobility, and thermodynamic stability) performed at Invitae indicates that this missense variant is not expected to disrupt LRP2 protein function. ClinVar contains an entry for this variant (Variation ID: 2164178). This variant has not been reported in the literature in individuals affected with LRP2-related conditions. This variant is present in population databases (no rsID available, gnomAD no frequency). This sequence change replaces methionine, which is neutral and non-polar, with valine, which is neutral and non-polar, at codon 3511 of the LRP2 protein (p.Met3511Val). In summary, the available evidence is currently insufficient to determine the role of this variant in disease. Therefore, it has been classified as a Variant of Uncertain Significance.

NM_004525.3(LRP2):c.10531A>G (p.Met3511Val)

Gene: LRP2 (LDL receptor related protein 2; minus strand). Cytogenetic location: 2q31.1.
Variant type: single nucleotide variant.
Coding change: c.10531A>G on transcript NM_004525.3 (MANE Select); coding-DNA position 10531, A replaced by G.
Protein change: p.Met3511Val; replaces methionine 3511 with valine.
Molecular consequence: missense variant.
Genome position (GRCh38, 1-based): chr2:169,176,451, T>C on the plus strand (A>G on the coding strand, the complement: LRP2 is on the minus strand). VCF-style: chr2-169176451-T-C. GRCh37 (hg19) VCF-style: chr2-170032961-T-C.
Other names: short protein forms M3511V.
Identifiers: ClinVar variation 2164178 (VCV002164178.4), dbSNP rs756137964, ClinGen allele CA349147207.